The following is an entry in ClinVar:

ClinVar aggregate classification (germline): Uncertain significance. Review status: criteria provided, multiple submitters, no conflicts (2 of 4 stars). 5 submissions from 5 submitters: Uncertain significance (5). Last evaluated 2026-03-26.

Conditions:
Inborn genetic diseases. Identifiers: MedGen C0950123, MeSH D030342.
Cohen syndrome (COH1). Also called: PEPPER SYNDROME; Cutis verticis gyrata, retinitis pigmentosa, and sensorineural deafness. Identifiers: Orphanet 193, MedGen C0265223, MONDO:0008999, OMIM 216550.
VPS13B-related disorder. Also called: VPS13B-related condition.

Allele frequency attached by ClinVar (database versions not stated): ExAC 0.00002; gnomAD exomes 0.00002; gnomAD 0.00003; TOPMed 0.00005.
gnomAD v4.1: 36 of 1,613,832 alleles (0.0022%); highest among the groups gnomAD compares: Non-Finnish European, 0.0026%; no homozygotes.

Submissions (5):

PreventionGenetics, part of Exact Sciences
Classification: Uncertain significance for VPS13B-related condition. Last evaluated: 2026-03-26. Review status: criteria provided, single submitter. Criteria: ACMG Guidelines, 2015. Collection method: clinical testing. Allele origin: germline.
Comment: The VPS13B c.3074C>T variant is predicted to result in the amino acid substitution p.Thr1025Met. To our knowledge, this variant has not been reported in the literature. This variant is reported in 0.0023% of alleles in individuals of European (Non-Finnish) descent in gnomAD. At this time, the clinical significance of this variant is uncertain due to the absence of conclusive functional and genetic evidence.

GeneDx
Classification: Uncertain significance. Last evaluated: 2024-04-29. Review status: criteria provided, single submitter. Criteria: GeneDx Variant Classification Process June 2021. Collection method: clinical testing. Allele origin: germline. Affected: yes.
Comment: Not observed at significant frequency in large population cohorts (gnomAD); In silico analysis supports that this missense variant does not alter protein structure/function; Has not been previously published as pathogenic or benign to our knowledge

Blueprint Genetics
Classification: Uncertain significance. Last evaluated: 2024-03-22. Review status: criteria provided, single submitter. Criteria: ACMG Guidelines, 2015. Collection method: clinical testing. Allele origin: germline.

Labcorp Genetics (formerly Invitae), Labcorp
Classification: Uncertain significance for Cohen syndrome. Last evaluated: 2022-06-05. Review status: criteria provided, single submitter. Criteria: Invitae Variant Classification Sherloc (09022015). Collection method: clinical testing. Allele origin: germline.
Comment: This sequence change replaces threonine, which is neutral and polar, with methionine, which is neutral and non-polar, at codon 1025 of the VPS13B protein (p.Thr1025Met). This variant is present in population databases (rs750709127, gnomAD 0.002%). This variant has not been reported in the literature in individuals affected with VPS13B-related conditions. Algorithms developed to predict the effect of missense changes on protein structure and function are either unavailable or do not agree on the potential impact of this missense change (SIFT: "Not Available"; PolyPhen-2: "Probably Damaging"; Align-GVGD: "Not Available"). In summary, the available evidence is currently insufficient to determine the role of this variant in disease. Therefore, it has been classified as a Variant of Uncertain Significance.

Ambry Genetics
Classification: Uncertain significance for Inborn genetic diseases. Last evaluated: 2017-07-20. Review status: criteria provided, single submitter. Criteria: Ambry Variant Classification Scheme 2023. Collection method: clinical testing. Allele origin: germline.
Comment: The p.T1025M variant (also known as c.3074C>T), located in coding exon 20 of the VPS13B gene, results from a C to T substitution at nucleotide position 3074. The threonine at codon 1025 is replaced by methionine, an amino acid with similar properties. This amino acid position is highly conserved in available vertebrate species. In addition, the in silico prediction for this alteration is inconclusive. Since supporting evidence is limited at this time, the clinical significance of this alteration remains unclear.

NM_152564.5(VPS13B):c.3074C>T (p.Thr1025Met)

Gene: VPS13B (vacuolar protein sorting 13 homolog B; plus strand). Cytogenetic location: 8q22.2.
Variant type: single nucleotide variant.
Coding change: c.3074C>T on transcript NM_152564.5 (MANE Select); coding-DNA position 3074, C replaced by T.
Protein change: p.Thr1025Met; replaces threonine 1025 with methionine.
Molecular consequence: missense variant.
Genome position (GRCh38, 1-based): chr8:99,391,696, C>T. VCF-style: chr8-99391696-C-T. GRCh37 (hg19) VCF-style: chr8-100403924-C-T.
Other names: c.3074C>T, p.Thr1025Met (NM_017890.5); short protein forms T1025M.
Identifiers: ClinVar variation 1727288 (VCV001727288.8), dbSNP rs750709127, ClinGen allele CA4823142.